The following is an entry in ClinVar:

NM_000064.4(C3):c.1837C>G (p.Gln613Glu)

Gene: C3 (complement C3; minus strand). Cytogenetic location: 19p13.3.
Variant type: single nucleotide variant.
Coding change: c.1837C>G on transcript NM_000064.4 (MANE Select); coding-DNA position 1837, C replaced by G.
Protein change: p.Gln613Glu; replaces glutamine 613 with glutamic acid.
Molecular consequence: missense variant.
Genome position (GRCh38, 1-based): chr19:6,709,692, G>C on the plus strand (C>G on the coding strand, the complement: C3 is on the minus strand). VCF-style: chr19-6709692-G-C. GRCh37 (hg19) VCF-style: chr19-6709703-G-C.
Other names: short protein forms Q613E.
Identifiers: ClinVar variation 2095413 (VCV002095413.4), dbSNP rs2512260607, ClinGen allele CA403639165.

ClinVar aggregate classification (germline): Uncertain significance (1 of 4 stars; one submission).

Submission:

Labcorp Genetics (formerly Invitae), Labcorp
Classification: Uncertain significance. Last evaluated: 2023-04-27. Review status: criteria provided, single submitter. Criteria: Invitae Variant Classification Sherloc (09022015). Collection method: clinical testing. Allele origin: germline.
Comment: In summary, the available evidence is currently insufficient to determine the role of this variant in disease. Therefore, it has been classified as a Variant of Uncertain Significance. Advanced modeling of protein sequence and biophysical properties (such as structural, functional, and spatial information, amino acid conservation, physicochemical variation, residue mobility, and thermodynamic stability) performed at Invitae indicates that this missense variant is expected to disrupt C3 protein function. ClinVar contains an entry for this variant (Variation ID: 2095413). This variant has not been reported in the literature in individuals affected with C3-related conditions. This variant is not present in population databases (gnomAD no frequency). This sequence change replaces glutamine, which is neutral and polar, with glutamic acid, which is acidic and polar, at codon 613 of the C3 protein (p.Gln613Glu).